The following is an entry in ClinVar:

ClinVar aggregate classification (germline): Benign (1 of 4 stars; one submission).

Allele frequency attached by ClinVar (database versions not stated): 1000 Genomes Project 0.17013; 1000 Genomes Project 30x 0.17239; TOPMed 0.24411.
gnomAD v4.1: 39,224 of 152,142 alleles (26%); highest among the groups gnomAD compares: Middle Eastern, 40%; 6,042 homozygotes.

Submission:

GeneDx
Classification: Benign. Last evaluated: 2018-06-14. Review status: criteria provided, single submitter. Criteria: GeneDx Variant Classification (06012015). Collection method: clinical testing. Allele origin: germline. Affected: yes.
Comment: This variant is considered likely benign or benign based on one or more of the following criteria: it is a conservative change, it occurs at a poorly conserved position in the protein, it is predicted to be benign by multiple in silico algorithms, and/or has population frequency not consistent with disease.

NM_001457.4(FLNB):c.541+310C>T

Gene: FLNB (filamin B; plus strand). Cytogenetic location: 3p14.3.
Variant type: single nucleotide variant.
Coding change: c.541+310C>T on transcript NM_001457.4 (MANE Select); 310 bases into the intron after coding-DNA position 541, C replaced by T.
Molecular consequence: intron variant.
Genome position (GRCh38, 1-based): chr3:58,077,604, C>T. VCF-style: chr3-58077604-C-T. GRCh37 (hg19) VCF-style: chr3-58063331-C-T.
Other names: c.541+310C>T (NM_001164317.2, NM_001164318.2, NM_001164319.2).
Identifiers: ClinVar variation 671375 (VCV000671375.1), dbSNP rs13062947, ClinGen allele CA15275993.
Genomic context (GRCh38, chr3:58,077,604, plus strand): 5'-AGTTGGTGCTTAGAAGCAAGACTTGGGTTTAGGTTCCAGACTCCAAAATCCTGTGTCTTC[C>T]CACATTGGTGCTCAGTTTCTCATTGGATTTGGAGAAACATTTGGTCCTATTAGGTGGCTT-3'